The following is an entry in ClinVar:

NM_134261.3(RORA):c.197-25081C>T

Genes: RORA (RAR related orphan receptor A; minus strand), RORA-AS1 (RORA antisense RNA 1; plus strand). Cytogenetic location: 15q22.2.
Variant type: single nucleotide variant.
Coding change: c.197-25081C>T on transcript NM_134261.3 (MANE Select); 25081 bases into the intron before coding-DNA position 197, C replaced by T.
Molecular consequence: intron variant.
Genome position (GRCh38, 1-based): chr15:60,556,932, G>A on the plus strand (C>T on the coding strand, the complement: RORA is on the minus strand). VCF-style: chr15-60556932-G-A. GRCh37 (hg19) VCF-style: chr15-60849131-G-A.
Other names: c.220-4C>T (NM_134260.3); c.272-25081C>T (NM_002943.4); c.32-25081C>T (NM_134262.3).
Identifiers: ClinVar variation 4996753 (VCV004996753.1).

ClinVar aggregate classification (germline): Likely benign (1 of 4 stars; one submission).

Conditions:
RORA-related disorder. Also called: RORA-related condition.

gnomAD v4.1: 4 of 1,611,486 alleles (0.00025%); highest among the groups gnomAD compares: South Asian, 0.0033%; no homozygotes.

Submission:

PreventionGenetics, part of Exact Sciences
Classification: Likely benign for RORA-related condition. Last evaluated: 2025-01-29. Review status: criteria provided, single submitter. Criteria: ACMG Guidelines, 2015. Collection method: clinical testing. Allele origin: germline.
Comment: This variant is classified as likely benign based on ACMG/AMP sequence variant interpretation guidelines (Richards et al. 2015 PMID: 25741868, with internal and published modifications).